The following is an entry in ClinVar:

NM_006084.5(IRF9):c.304C>T (p.Arg102Cys)

Gene: IRF9 (interferon regulatory factor 9; plus strand). Cytogenetic location: 14q12.
Variant type: single nucleotide variant.
Coding change: c.304C>T on transcript NM_006084.5 (MANE Select); coding-DNA position 304, C replaced by T.
Protein change: p.Arg102Cys; replaces arginine 102 with cysteine.
Molecular consequence: missense variant.
Genome position (GRCh38, 1-based): chr14:24,163,089, C>T. VCF-style: chr14-24163089-C-T. GRCh37 (hg19) VCF-style: chr14-24632298-C-T.
Other names: c.304C>T, p.Arg102Cys (NM_001385400.1, NM_001385401.1, NM_001385402.1); short protein forms R102C.
Identifiers: ClinVar variation 4798318 (VCV004798318.1).

ClinVar aggregate classification (germline): Uncertain significance (1 of 4 stars; one submission).

Submission:

Labcorp Genetics (formerly Invitae), Labcorp
Classification: Uncertain significance. Last evaluated: 2025-06-17. Review status: criteria provided, single submitter. Criteria: Invitae Variant Classification Sherloc (09022015). Collection method: clinical testing. Allele origin: germline.
Comment: This sequence change replaces arginine, which is basic and polar, with cysteine, which is neutral and slightly polar, at codon 102 of the IRF9 protein (p.Arg102Cys). This variant is present in population databases (rs759549489, gnomAD 0.01%). This variant has not been reported in the literature in individuals affected with IRF9-related conditions. An algorithm developed to predict the effect of missense changes on protein structure and function (PolyPhen-2) suggests that this variant is likely to be tolerated. In summary, the available evidence is currently insufficient to determine the role of this variant in disease. Therefore, it has been classified as a Variant of Uncertain Significance.